The following is an entry in ClinVar:

NM_014679.5(CEP57):c.92A>G (p.His31Arg)

Gene: CEP57 (centrosomal protein 57; plus strand). Cytogenetic location: 11q21.
Variant type: single nucleotide variant.
Coding change: c.92A>G on transcript NM_014679.5 (MANE Select); coding-DNA position 92, A replaced by G.
Protein change: p.His31Arg; replaces histidine 31 with arginine.
Molecular consequence: missense variant.
Genome position (GRCh38, 1-based): chr11:95,799,278, A>G. VCF-style: chr11-95799278-A-G. GRCh37 (hg19) VCF-style: chr11-95532442-A-G.
Other names: c.65A>G, p.His22Arg (NM_001243776.2); c.92A>G, p.His31Arg (NM_001243777.2); c.11A>G, p.His4Arg (NM_001363604.2); short protein forms H22R, H4R, H31R.
Identifiers: ClinVar variation 3490859 (VCV003490859.2).

ClinVar aggregate classification (germline): Uncertain significance (1 of 4 stars; one submission).

Conditions:
Inborn genetic diseases. Identifiers: MedGen C0950123, MeSH D030342.

Submission:

Ambry Genetics
Classification: Uncertain significance for Inborn genetic diseases. Last evaluated: 2026-04-24. Review status: criteria provided, single submitter. Criteria: Ambry Variant Classification Scheme 2023. Collection method: clinical testing. Allele origin: germline.
Comment: The p.H31R variant (also known as c.92A>G), located in coding exon 2 of the CEP57 gene, results from an A to G substitution at nucleotide position 92. The histidine at codon 31 is replaced by arginine, an amino acid with highly similar properties. This amino acid position is conserved. In addition, this alteration is predicted to be tolerated by in silico analysis. Based on the available evidence, the clinical significance of this variant remains unclear.